The following is an entry in ClinVar:

ClinVar aggregate classification (germline): Uncertain significance. Review status: criteria provided, multiple submitters, no conflicts (2 of 4 stars). 4 submissions from 4 submitters: Uncertain significance (4). Last evaluated 2025-05-21.

Conditions:
Cardiovascular phenotype. Identifiers: MedGen CN230736.
Dilated cardiomyopathy 1DD (CMD1DD). Identifiers: Orphanet 154, MedGen C2750995, MONDO:0013168, OMIM 613172.

Allele frequency attached by ClinVar (database versions not stated): gnomAD exomes below 0.00001.
gnomAD v4.1: 2 of 1,551,696 alleles (0.00013%); highest among the groups gnomAD compares: Non-Finnish European, 0.00017%; no homozygotes.

Submissions (4):

Labcorp Genetics (formerly Invitae), Labcorp
Classification: Uncertain significance for Dilated cardiomyopathy 1DD. Last evaluated: 2025-05-21. Review status: criteria provided, single submitter. Criteria: Invitae Variant Classification Sherloc (09022015). Collection method: clinical testing. Allele origin: germline.
Comment: This sequence change replaces serine, which is neutral and polar, with phenylalanine, which is neutral and non-polar, at codon 740 of the RBM20 protein (p.Ser740Phe). This variant is not present in population databases (gnomAD no frequency). This variant has not been reported in the literature in individuals affected with RBM20-related conditions. ClinVar contains an entry for this variant (Variation ID: 180480). Invitae Evidence Modeling of protein sequence and biophysical properties (such as structural, functional, and spatial information, amino acid conservation, physicochemical variation, residue mobility, and thermodynamic stability) indicates that this missense variant is not expected to disrupt RBM20 protein function with a negative predictive value of 95%. In summary, the available evidence is currently insufficient to determine the role of this variant in disease. Therefore, it has been classified as a Variant of Uncertain Significance.

Ambry Genetics
Classification: Uncertain significance for Cardiovascular phenotype. Last evaluated: 2024-08-19. Review status: criteria provided, single submitter. Criteria: Ambry Variant Classification Scheme 2023. Collection method: clinical testing. Allele origin: germline.
Comment: The p.S740F variant (also known as c.2219C>T), located in coding exon 9 of the RBM20 gene, results from a C to T substitution at nucleotide position 2219. The serine at codon 740 is replaced by phenylalanine, an amino acid with highly dissimilar properties. This amino acid position is conserved. In addition, this alteration is predicted to be tolerated by in silico analysis. Based on the available evidence, the clinical significance of this variant remains unclear.

Clinical Genetics Laboratory, Skane University Hospital Lund
Classification: Uncertain significance. Last evaluated: 2024-03-07. Review status: criteria provided, single submitter. Criteria: ACMG Guidelines, 2015. Collection method: clinical testing. Allele origin: germline. Affected: yes.

Blueprint Genetics
Classification: Uncertain significance. Last evaluated: 2024-02-27. Review status: criteria provided, single submitter. Criteria: ACMG Guidelines, 2015. Collection method: clinical testing. Allele origin: germline.

NM_001134363.3(RBM20):c.2219C>T (p.Ser740Phe)

Gene: RBM20 (RNA binding motif protein 20; plus strand). Cytogenetic location: 10q25.2.
Variant type: single nucleotide variant.
Coding change: c.2219C>T on transcript NM_001134363.3 (MANE Select); coding-DNA position 2219, C replaced by T.
Protein change: p.Ser740Phe; replaces serine 740 with phenylalanine.
Molecular consequence: missense variant.
Genome position (GRCh38, 1-based): chr10:110,812,616, C>T. VCF-style: chr10-110812616-C-T. GRCh37 (hg19) VCF-style: chr10-112572374-C-T.
Other names: c.2219C>T (LRG_382t1); short protein forms S740F.
Identifiers: ClinVar variation 180480 (VCV000180480.12), dbSNP rs730880183, ClinGen allele CA346599.